The following is an entry in ClinVar:

NM_001203.3(BMPR1B):c.1448C>T (p.Thr483Ile)

Gene: BMPR1B (bone morphogenetic protein receptor type 1B; plus strand). Cytogenetic location: 4q22.3.
Variant type: single nucleotide variant.
Coding change: c.1448C>T on transcript NM_001203.3 (MANE Select); coding-DNA position 1448, C replaced by T.
Protein change: p.Thr483Ile; replaces threonine 483 with isoleucine.
Molecular consequence: missense variant.
Genome position (GRCh38, 1-based): chr4:95,154,612, C>T. VCF-style: chr4-95154612-C-T. GRCh37 (hg19) VCF-style: chr4-96075763-C-T.
Other names: c.1448C>T, p.Thr483Ile (NM_001256792.2, NM_001256794.1); c.1538C>T, p.Thr513Ile (NM_001256793.2); short protein forms T483I, T513I.
Identifiers: ClinVar variation 384012 (VCV000384012.2), dbSNP rs1057521819, ClinGen allele CA16604631.

ClinVar aggregate classification (germline): Likely pathogenic (1 of 4 stars; one submission).

Submission:

GeneDx
Classification: Likely pathogenic. Last evaluated: 2016-03-21. Review status: criteria provided, single submitter. Criteria: GeneDx Variant Classification (06012015). Collection method: clinical testing. Allele origin: germline. Affected: yes.
Comment: The T483I variant in the BMPR1B gene has not been reported previously as a pathogenic variant, nor as a benign variant, to our knowledge. This variant was not observed in approximately 6500 individuals of European and African American ancestry in the NHLBI Exome Sequencing Project, indicating it is not a common benign variant in these populations. The T483I variant is a non-conservative amino acid substitution, which is likely to impact secondary protein structure as these residues differ in polarity, charge, size and/or other properties. This substitution occurs at a position that is conserved across species, and in silico analysis predicts this variant is probably damaging to the protein structure/function. Heterozygous missense variants at a nearby residue (R486L/Q/W) have been reported in the Human Gene Mutation Database in association with brachydactyly (Stenson et al., 2014), supporting the functional importance of this region of the protein. The T483I variant is a strong candidate for a pathogenic variant, however the possibility it may be a rare benign variant cannot be excluded.